The following is an entry in ClinVar:

NM_004946.3(DOCK2):c.854A>G (p.Asn285Ser)

Genes: DOCK2 (dedicator of cytokinesis 2; plus strand), LOC126807589 (BRD4-independent group 4 enhancer GRCh37_chr5:169122482-169123681; plus strand). Cytogenetic location: 5q35.1.
Variant type: single nucleotide variant.
Coding change: c.854A>G on transcript NM_004946.3 (MANE Select); coding-DNA position 854, A replaced by G.
Protein change: p.Asn285Ser; replaces asparagine 285 with serine.
Molecular consequence: missense variant. On other transcripts: non-coding transcript variant (1).
Genome position (GRCh38, 1-based): chr5:169,695,813, A>G. VCF-style: chr5-169695813-A-G. GRCh37 (hg19) VCF-style: chr5-169122817-A-G.
Other names: short protein forms N285S.
Identifiers: ClinVar variation 1358250 (VCV001358250.6), dbSNP rs762534189, ClinGen allele CA362104618.

ClinVar aggregate classification (germline): Uncertain significance (1 of 4 stars; one submission).

Conditions:
DOCK2 deficiency. Also called: Immunodeficiency 40. Identifiers: Orphanet 447737, MedGen C4225328, MONDO:0014637, OMIM 616433.

Allele frequency attached by ClinVar (database versions not stated): gnomAD 0.00001.
gnomAD v4.1: 5 of 1,613,342 alleles (0.00031%); highest among the groups gnomAD compares: East Asian, 0.0045%; no homozygotes.

Submission:

Labcorp Genetics (formerly Invitae), Labcorp
Classification: Uncertain significance for DOCK2 deficiency. Last evaluated: 2021-11-22. Review status: criteria provided, single submitter. Criteria: Invitae Variant Classification Sherloc (09022015). Collection method: clinical testing. Allele origin: germline.
Comment: In summary, the available evidence is currently insufficient to determine the role of this variant in disease. Therefore, it has been classified as a Variant of Uncertain Significance. Algorithms developed to predict the effect of missense changes on protein structure and function (SIFT, PolyPhen-2, Align-GVGD) all suggest that this variant is likely to be tolerated. This variant has not been reported in the literature in individuals affected with DOCK2-related conditions. This variant is present in population databases (no rsID available, gnomAD 0.005%). This sequence change replaces asparagine, which is neutral and polar, with serine, which is neutral and polar, at codon 285 of the DOCK2 protein (p.Asn285Ser).